The following is an entry in ClinVar:

ClinVar aggregate classification (germline): Uncertain significance. Review status: criteria provided, multiple submitters, no conflicts (2 of 4 stars). 2 submissions from 2 submitters: Uncertain significance (2). Last evaluated 2023-07-31.

Conditions:
Inborn genetic diseases. Identifiers: MedGen C0950123, MeSH D030342.

Allele frequency attached by ClinVar (database versions not stated): gnomAD exomes 0.00001.
gnomAD v4.1: 16 of 1,614,114 alleles (0.00099%); highest among the groups gnomAD compares: Non-Finnish European, 0.0014%; no homozygotes.

Submissions (2):

Ambry Genetics
Classification: Uncertain significance for Inborn genetic diseases. Last evaluated: 2023-07-31. Review status: criteria provided, single submitter. Criteria: Ambry Variant Classification Scheme 2023. Collection method: clinical testing. Allele origin: germline.

CeGaT Center for Human Genetics Tuebingen
Classification: Uncertain significance. Last evaluated: 2023-02-01. Review status: criteria provided, single submitter. Criteria: CeGaT Center For Human Genetics Tuebingen Variant Classification Criteria Version 2. Collection method: clinical testing. Allele origin: germline. Affected: yes. Observed: 1 variant allele.
Comment: CAMTA1: PM2, PP2

NM_015215.4(CAMTA1):c.1240C>T (p.Pro414Ser)

Gene: CAMTA1 (calmodulin binding transcription activator 1; plus strand). Cytogenetic location: 1p36.23.
Variant type: single nucleotide variant.
Coding change: c.1240C>T on transcript NM_015215.4 (MANE Select); coding-DNA position 1240, C replaced by T.
Protein change: p.Pro414Ser; replaces proline 414 with serine.
Molecular consequence: missense variant.
Genome position (GRCh38, 1-based): chr1:7,663,787, C>T. VCF-style: chr1-7663787-C-T. GRCh37 (hg19) VCF-style: chr1-7723847-C-T.
Other names: c.1150C>T, p.Pro384Ser (NM_001349608.2, NM_001349612.2); c.1240C>T, p.Pro414Ser (NM_001349609.2, NM_001349610.2, NM_001410737.1); c.1168C>T, p.Pro390Ser (NM_001410738.1); short protein forms P390S, P414S, P384S.
Identifiers: ClinVar variation 2597709 (VCV002597709.26), dbSNP rs2095980832, ClinGen allele CA338126380.